The following is an entry in ClinVar:

NM_000756.4(CRH):c.110C>T (p.Ala37Val)

Genes: CRH (corticotropin releasing hormone; minus strand), LOC130000523 (ATAC-STARR-seq lymphoblastoid active region 27476; plus strand). Cytogenetic location: 8q13.1.
Variant type: single nucleotide variant.
Coding change: c.110C>T on transcript NM_000756.4 (MANE Select); coding-DNA position 110, C replaced by T.
Protein change: p.Ala37Val; replaces alanine 37 with valine.
Molecular consequence: missense variant.
Genome position (GRCh38, 1-based): chr8:66,177,368, G>A on the plus strand (C>T on the coding strand, the complement: CRH is on the minus strand). VCF-style: chr8-66177368-G-A. GRCh37 (hg19) VCF-style: chr8-67089603-G-A.
Other names: short protein forms A37V.
Identifiers: ClinVar variation 587788 (VCV000587788.5), dbSNP rs750671648, ClinGen allele CA4766197.

ClinVar aggregate classification (germline): Uncertain significance (1 of 4 stars; one submission).

Allele frequency attached by ClinVar (database versions not stated): ExAC below 0.00001; TOPMed below 0.00001.
gnomAD v4.1: 3 of 1,542,688 alleles (0.00019%); highest among the groups gnomAD compares: African/African-American, 0.0014%; no homozygotes.

Submission:

Ambry Genetics
Classification: Uncertain significance. Last evaluated: 2017-03-21. Review status: criteria provided, single submitter. Criteria: Ambry Variant Classification Scheme 2023. Collection method: clinical testing. Allele origin: germline.
Comment: The p.A37V variant (also known as c.110C>T), located in coding exon 1 of the CRH gene, results from a C to T substitution at nucleotide position 110. The alanine at codon 37 is replaced by valine, an amino acid with similar properties. This amino acid position is not well conserved in available vertebrate species. In addition, this alteration is predicted to be tolerated by in silico analysis. Since supporting evidence is limited at this time, the clinical significance of this alteration remains unclear.